The following is an entry in ClinVar:

NM_000322.5(PRPH2):c.658del (p.Arg220fs)

Gene: PRPH2 (peripherin 2; minus strand). Cytogenetic location: 6p21.1.
Variant type: Deletion.
Coding change: c.658del on transcript NM_000322.5 (MANE Select); coding-DNA position 658, one base deleted (C; older notation c.658delC).
Protein change: p.Arg220fs; shifts the reading frame from arginine 220.
Molecular consequence: frameshift variant.
Genome position (GRCh38, 1-based): chr6:42,704,535, G deleted on the plus strand (C on the coding strand, the reverse complement: PRPH2 is on the minus strand). VCF-style (leftmost placement, unchanged base first): chr6-42704534-CG-C. GRCh37 (hg19) VCF-style: chr6-42672272-CG-C.
Other names: short protein forms R220fs.
Identifiers: ClinVar variation 1175225 (VCV001175225.2), dbSNP rs2152005317, ClinGen allele CA2499218274.

ClinVar aggregate classification (germline): Pathogenic. Review status: criteria provided, single submitter (1 of 4 stars). 2 submissions from 2 submitters: Pathogenic (1). 1 of the submissions does not count toward it.

Conditions:
Retinitis pigmentosa 7 (RP7). Identifiers: Orphanet 791, MedGen C1842475, MONDO:0011974, OMIM 608133.

Submissions (2):

Clinical Genetics Service, Universitary Hospital 12 de Octubre
Classification: Pathogenic for Retinitis pigmentosa 7. Review status: criteria provided, single submitter. Criteria: ACMG Guidelines, 2015. Collection method: clinical testing. Allele origin: germline. Affected: yes.

Leiden Open Variation Database
Classification: Pathogenic. Last evaluated: 2021-04-06. Review status: no assertion criteria provided. Collection method: curation. Allele origin: germline. Affected: yes. Not counted in ClinVar's aggregate classification.
Comment: Curator: Global Variome, with Curator vacancy. Submitter to LOVD: Manon Peeters.